The following is an entry in ClinVar:

NM_003680.4(YARS1):c.1584C>G (p.Ser528Arg)

Gene: YARS1 (tyrosyl-tRNA synthetase 1; minus strand). Cytogenetic location: 1p35.1.
Variant type: single nucleotide variant.
Coding change: c.1584C>G on transcript NM_003680.4 (MANE Select); coding-DNA position 1584, C replaced by G.
Protein change: p.Ser528Arg; replaces serine 528 with arginine.
Molecular consequence: missense variant.
Genome position (GRCh38, 1-based): chr1:32,775,984, G>C on the plus strand (C>G on the coding strand, the complement: YARS1 is on the minus strand). VCF-style: chr1-32775984-G-C. GRCh37 (hg19) VCF-style: chr1-33241585-G-C.
Other names: short protein forms S528R.
Identifiers: ClinVar variation 1053468 (VCV001053468.7), dbSNP rs774884649, ClinGen allele CA744852.

ClinVar aggregate classification (germline): Uncertain significance (1 of 4 stars; one submission).

Conditions:
Charcot-Marie-Tooth disease dominant intermediate C (CMTDIC). Also called: CHARCOT-MARIE-TOOTH NEUROPATHY, DOMINANT INTERMEDIATE C. Identifiers: Orphanet 100045, MedGen C1842237, MONDO:0012012, OMIM 608323.

Allele frequency attached by ClinVar (database versions not stated): gnomAD exomes below 0.00001 and 0.00001; ExAC 0.00001.
gnomAD v4.1: 5 of 1,613,244 alleles (0.00031%); highest among the groups gnomAD compares: Non-Finnish European, 0.00034%; no homozygotes.

Submission:

Labcorp Genetics (formerly Invitae), Labcorp
Classification: Uncertain significance for Charcot-Marie-Tooth disease dominant intermediate C. Last evaluated: 2020-09-17. Review status: criteria provided, single submitter. Criteria: Invitae Variant Classification Sherloc (09022015). Collection method: clinical testing. Allele origin: germline.
Comment: Algorithms developed to predict the effect of missense changes on protein structure and function are either unavailable or do not agree on the potential impact of this missense change (SIFT: "Not Available"; PolyPhen-2: "Probably Damaging"; Align-GVGD: "Not Available"). This variant has not been reported in the literature in individuals with YARS-related conditions. This variant is present in population databases (rs774884649, ExAC 0.002%). This sequence change replaces serine with arginine at codon 528 of the YARS protein (p.Ser528Arg). The serine residue is highly conserved and there is a moderate physicochemical difference between serine and arginine. In summary, the available evidence is currently insufficient to determine the role of this variant in disease. Therefore, it has been classified as a Variant of Uncertain Significance. Algorithms developed to predict the effect of sequence changes on RNA splicing suggest that this variant may create or strengthen a splice site, but this prediction has not been confirmed by published transcriptional studies.